The following is an entry in ClinVar:

ClinVar aggregate classification (germline): Benign/Likely benign. Review status: criteria provided, multiple submitters, no conflicts (2 of 4 stars). 3 submissions from 3 submitters: Benign (1); Likely benign (2). Last evaluated 2025-01-08.

Conditions:
Lung cancer. Also called: Malignant tumor of lung; Lung cancer, somatic. Identifiers: MedGen C0242379, MONDO:0008903, OMIM 211980.
Hereditary cancer-predisposing syndrome. Also called: Tumor predisposition; Neoplastic Syndromes, Hereditary; Hereditary Cancer Syndrome; Hereditary neoplastic syndrome. Identifiers: Orphanet 140162, MedGen C0027672, MeSH D009386, MONDO:0015356.
EGFR-related lung cancer (EGFR). Identifiers: MedGen CN130014.

Allele frequency attached by ClinVar (database versions not stated): gnomAD exomes below 0.00001 and 0.00001; ExAC 0.00001.
gnomAD v4.1: 4 of 1,614,204 alleles (0.00025%); highest among the groups gnomAD compares: Non-Finnish European, 0.00034%; no homozygotes.

Submissions (3):

Labcorp Genetics (formerly Invitae), Labcorp
Classification: Likely benign for EGFR-related lung cancer. Last evaluated: 2025-01-08. Review status: criteria provided, single submitter. Criteria: Invitae Variant Classification Sherloc (09022015). Collection method: clinical testing. Allele origin: germline.

Ambry Genetics
Classification: Likely benign for Hereditary cancer-predisposing syndrome. Last evaluated: 2024-11-06. Review status: criteria provided, single submitter. Criteria: Ambry Variant Classification Scheme 2023. Collection method: clinical testing. Allele origin: germline.

Myriad Genetics, Inc.
Classification: Benign for Lung cancer. Last evaluated: 2024-10-16. Review status: criteria provided, single submitter. Criteria: Myriad Autosomal Dominant, Autosomal Recessive and X-Linked Classification Criteria (2023). Collection method: clinical testing. Allele origin: unknown.
Comment: This variant is considered benign. This variant is a silent/synonymous amino acid change and it is not expected to impact splicing.

NM_005228.5(EGFR):c.2307G>A (p.Val769=)

Genes: EGFR (epidermal growth factor receptor; plus strand), EGFR-AS1 (EGFR antisense RNA 1; minus strand). Cytogenetic location: 7p11.2.
Variant type: single nucleotide variant.
Coding change: c.2307G>A on transcript NM_005228.5 (MANE Select); coding-DNA position 2307, G replaced by A.
Protein change: p.Val769=; no amino-acid change (valine 769 retained).
Molecular consequence: synonymous variant. On other transcripts: non-coding transcript variant (1).
Genome position (GRCh38, 1-based): chr7:55,181,316, G>A. VCF-style: chr7-55181316-G-A. GRCh37 (hg19) VCF-style: chr7-55249009-G-A.
Other names: c.2172G>A, p.Val724= (NM_001346897.2, NM_001346899.2); c.2307G>A, p.Val769= (NM_001346898.2); c.2148G>A, p.Val716= (NM_001346900.2); c.1506G>A, p.Val502= (NM_001346941.2); c.2307G>A (NM_005228.3).
Identifiers: ClinVar variation 1100701 (VCV001100701.11), dbSNP rs757699292, ClinGen allele CA4266052.